The following is an entry in ClinVar:

ClinVar aggregate classification (germline): Uncertain significance. Review status: criteria provided, multiple submitters, no conflicts (2 of 4 stars). 5 submissions from 5 submitters: Uncertain significance (4). 1 of the submissions does not count toward it. Last evaluated 2024-09-06.

Conditions:
Movement disorder. Also called: Movement disorders; Abnormality of movement. Identifiers: MedGen C0026650, MONDO:0005395, HP:0100022.
Specific learning disability. Identifiers: Orphanet 211047, MedGen C4025790, MONDO:0016225, HP:0001328.
Seizure. Also called: Seizures. Identifiers: MedGen C0036572, HP:0001250.
Cerebellar atrophy. Identifiers: MedGen C0740279, HP:0001272.
Global developmental delay (DD). Also called: Cognitive delay. Identifiers: MedGen C0557874, HP:0001263. Disease mechanism: loss of function.
Familial infantile myoclonic epilepsy (FIME). Also called: Epilepsy, Myoclonic, Infantile; TBC1D24-Related Familial Infantile Myoclonic Epilepsy (FIME). Identifiers: Orphanet 352582, MedGen C0917800, MONDO:0011506, OMIM 605021.
Autosomal dominant nonsyndromic hearing loss 65. Also called: Deafness, autosomal dominant 65; TBC1D24-Related Autosomal Dominant Nonsyndromic Hearing Loss (DFNA). Identifiers: Orphanet 90635, MedGen C3892048, MONDO:0014470, OMIM 616044.
Rolandic epilepsy-paroxysmal exercise-induced dystonia-writer's cramp syndrome. Also called: RE-PED-WC; TBC1D24-Related Rolandic Epilepsy with Paroxysmal Exercise-Induced Dystonia and Writer's Cramp (EPRPDC). Identifiers: Orphanet 163727, MedGen C1842531, MONDO:0011970, OMIM 608105.
Developmental and epileptic encephalopathy, 16 (DEE16). Also called: Early infantile epileptic encephalopathy 16; TBC1D24-Related Developmental and Epileptic Encephalopathy (DEE). Identifiers: Orphanet 293181, Orphanet 352596, MedGen C3809173, MONDO:0014133, OMIM 615338.
Autosomal recessive nonsyndromic hearing loss 86 (DFNB86). Also called: Deafness , autosomal recessive 86; TBC1D24-Related Autosomal Recessive Nonsyndromic Hearing Loss (DFNB). Identifiers: Orphanet 90636, MedGen C2829265, MONDO:0013826, OMIM 614617.
DOORS syndrome (DOORS). Also called: Digitorenocerebral syndrome; DRC SYNDROME; BRACHYDACTYLY DUE TO ABSENCE OF DISTAL PHALANGES; ERONEN SYNDROME; DOOR SYNDROME; DEAFNESS, ONYCHODYSTROPHY, OSTEODYSTROPHY, IMPAIRED INTELLECTUAL DEVELOPMENT, AND SEIZURES SYNDROME. Identifiers: Orphanet 3231, Orphanet 79500, MedGen C0795934, MONDO:0009079, OMIM 220500. Disease mechanism: loss of function.
Developmental and epileptic encephalopathy, 1 (DEE1). Also called: Epileptic encephalopathy, early infantile, 1; X-linked infantile spasms; West's syndrome; Tonic spasms with clustering, arrest of psychomotor development and hypsarrhythmia on EEG; X-Linked Infantile Spasm Syndrome; OHTAHARA SYNDROME, X-LINKED. Identifiers: MedGen C3463992, MONDO:0010632, OMIM 308350. Disease mechanism: loss of function.

Allele frequency attached by ClinVar (database versions not stated): gnomAD exomes 0.00001; TOPMed 0.00003.
gnomAD v4.1: 17 of 1,613,766 alleles (0.0011%); highest among the groups gnomAD compares: Non-Finnish European, 0.0014%; no homozygotes.

Submissions (5):

Blueprint Genetics
Classification: Uncertain significance. Last evaluated: 2024-09-06. Review status: criteria provided, single submitter. Criteria: ACMG Guidelines, 2015. Collection method: clinical testing. Allele origin: germline.

Labcorp Genetics (formerly Invitae), Labcorp
Classification: Uncertain significance for Developmental and epileptic encephalopathy, 1; Autosomal dominant nonsyndromic hearing loss 65. Last evaluated: 2024-03-02. Review status: criteria provided, single submitter. Criteria: Invitae Variant Classification Sherloc (09022015). Collection method: clinical testing. Allele origin: germline.
Comment: This sequence change replaces serine, which is neutral and polar, with leucine, which is neutral and non-polar, at codon 202 of the TBC1D24 protein (p.Ser202Leu). This variant is not present in population databases (gnomAD no frequency). This missense change has been observed in individual(s) with autosomal recessive TBC1D24-related conditions (PMID: 31922275). In at least one individual the data is consistent with being in trans (on the opposite chromosome) from a pathogenic variant. ClinVar contains an entry for this variant (Variation ID: 207501). Advanced modeling of protein sequence and biophysical properties (such as structural, functional, and spatial information, amino acid conservation, physicochemical variation, residue mobility, and thermodynamic stability) performed at Invitae indicates that this missense variant is not expected to disrupt TBC1D24 protein function with a negative predictive value of 80%. In summary, the available evidence is currently insufficient to determine the role of this variant in disease. Therefore, it has been classified as a Variant of Uncertain Significance.

Fulgent Genetics
Classification: Uncertain significance for DOORS syndrome; Familial infantile myoclonic epilepsy; Rolandic epilepsy-paroxysmal exercise-induced dystonia-writer's cramp syndrome; Autosomal recessive nonsyndromic hearing loss 86; Developmental and epileptic encephalopathy, 16; Autosomal dominant nonsyndromic hearing loss 65. Last evaluated: 2021-07-27. Review status: criteria provided, single submitter. Criteria: ACMG Guidelines, 2015. Collection method: clinical testing. Allele origin: unknown.

GeneDx
Classification: Uncertain significance. Last evaluated: 2014-06-02. Review status: criteria provided, single submitter. Criteria: GeneDx Variant Classification (06012015). Collection method: clinical testing. Allele origin: germline. Affected: yes.
Comment: p.Ser202Leu (TCG>TTG): c.605 C>T in exon 2 of the TBC1D24 gene (NM_020705.2). A variant of unknown significance has been identified in the TBC1D24 gene. The S202L variant has not been published as a mutation, nor has it been reported as a benign polymorphism to our knowledge. It was not observed in approximately 6,400 individuals of European and African American ancestry in the NHLBI Exome Sequencing Project, indicating it is not a common benign variant in these populations. The S202L variant is a non-conservative amino acid substitution, which is likely to impact secondary protein structure as these residues differ in polarity, charge, size and/or other properties. This substitution occurs at a position that is conserved in mammals, but not in more distantly related species. In silico analysis is inconsistent in its predictions as to whether or not the variant is damaging to the protein structure/function. Therefore, based on the currently available information, it is unclear whether this variant is a pathogenic mutation or a rare benign variant. The variant is found in INFANT-EPI panel(s).

NIHR Bioresource Rare Diseases, University of Cambridge
Classification: Likely pathogenic for Movement disorder; Specific learning disability; Cerebellar atrophy; Global developmental delay; Seizure. Review status: no assertion criteria provided. Collection method: research. Allele origin: unknown. Affected: yes. Observed: 1 variant allele. Not counted in ClinVar's aggregate classification.

Literature cited by the submitters: PubMed 31922275 (cited by Labcorp Genetics (formerly Invitae), Labcorp); PubMed 32581362 (cited by NIHR Bioresource Rare Diseases, University of Cambridge).

NM_001199107.2(TBC1D24):c.605C>T (p.Ser202Leu)

Gene: TBC1D24 (TBC1 domain family member 24; plus strand). Cytogenetic location: 16p13.3.
Variant type: single nucleotide variant.
Coding change: c.605C>T on transcript NM_001199107.2 (MANE Select); coding-DNA position 605, C replaced by T.
Protein change: p.Ser202Leu; replaces serine 202 with leucine.
Molecular consequence: missense variant.
Genome position (GRCh38, 1-based): chr16:2,496,753, C>T. VCF-style: chr16-2496753-C-T. GRCh37 (hg19) VCF-style: chr16-2546754-C-T.
Other names: p.S202L:TCG>TTG; c.605C>T, p.Ser202Leu (NM_020705.3); short protein forms S202L.
Identifiers: ClinVar variation 207501 (VCV000207501.13), dbSNP rs796053400, ClinGen allele CA319029.